The following is an entry in ClinVar:

ClinVar aggregate classification (germline): Uncertain significance. Review status: criteria provided, multiple submitters, no conflicts (2 of 4 stars). 2 submissions from 2 submitters: Uncertain significance (2). Last evaluated 2024-06-11.

Conditions:
Inborn genetic diseases. Identifiers: MedGen C0950123, MeSH D030342.
Progressive myoclonic epilepsy. Also called: Myoclonic Epilepsies, Progressive; Familial progressive myoclonic epilepsy; Myoclonus epilepsy; Progressive myoclonus epilepsy. Identifiers: Orphanet 308, Orphanet 98261, MedGen C0751778, MONDO:0020074.

Allele frequency attached by ClinVar (database versions not stated): gnomAD exomes below 0.00001; gnomAD 0.00001; TOPMed 0.00001.
gnomAD v4.1: 2 of 1,474,636 alleles (0.00014%); highest among the groups gnomAD compares: Admixed American, 0.0022%; no homozygotes.

Submissions (2):

Ambry Genetics
Classification: Uncertain significance for Inborn genetic diseases. Last evaluated: 2024-06-11. Review status: criteria provided, single submitter. Criteria: Ambry Variant Classification Scheme 2023. Collection method: clinical testing. Allele origin: germline.

Labcorp Genetics (formerly Invitae), Labcorp
Classification: Uncertain significance for Progressive myoclonic epilepsy. Last evaluated: 2021-08-26. Review status: criteria provided, single submitter. Criteria: Invitae Variant Classification Sherloc (09022015). Collection method: clinical testing. Allele origin: germline.
Comment: This sequence change replaces alanine with glutamic acid at codon 71 of the EPM2A protein (p.Ala71Glu). The alanine residue is weakly conserved and there is a moderate physicochemical difference between alanine and glutamic acid. The frequency data for this variant in the population databases is considered unreliable, as metrics indicate insufficient coverage at this position in the ExAC database. This variant has not been reported in the literature in individuals affected with EPM2A-related conditions. Algorithms developed to predict the effect of missense changes on protein structure and function output the following: SIFT: "Tolerated"; PolyPhen-2: "Benign"; Align-GVGD: "Class C0". The glutamic acid amino acid residue is found in multiple mammalian species, which suggests that this missense change does not adversely affect protein function. In summary, the available evidence is currently insufficient to determine the role of this variant in disease. Therefore, it has been classified as a Variant of Uncertain Significance.

NM_005670.4(EPM2A):c.212C>A (p.Ala71Glu)

Genes: EPM2A (EPM2A glucan phosphatase, laforin; minus strand), EPM2A-DT (EPM2A divergent transcript; plus strand), LOC129997381 (ATAC-STARR-seq lymphoblastoid silent region 17642; plus strand). Cytogenetic location: 6q24.3.
Variant type: single nucleotide variant.
Coding change: c.212C>A on transcript NM_005670.4 (MANE Select); coding-DNA position 212, C replaced by A.
Protein change: p.Ala71Glu; replaces alanine 71 with glutamic acid.
Molecular consequence: missense variant. On other transcripts: 5 prime UTR variant (3), intron variant (1).
Genome position (GRCh38, 1-based): chr6:145,735,287, G>T on the plus strand (C>A on the coding strand, the complement: EPM2A is on the minus strand). VCF-style: chr6-145735287-G-T. GRCh37 (hg19) VCF-style: chr6-146056423-G-T.
Other names: c.212C>A, p.Ala71Glu (NM_001018041.2, NM_001360057.2, NM_001368130.1); c.-458C>A (NM_001360071.2); c.-412C>A (NM_001368129.2); c.-156C>A (NM_001368131.1); c.-114+621C>A (NM_001360064.2); c.212C>A (NM_005670.3); short protein forms A71E.
Identifiers: ClinVar variation 1046134 (VCV001046134.7), dbSNP rs1263035227, ClinGen allele CA366188025.